The following is an entry in ClinVar:

ClinVar aggregate classification (germline): Likely pathogenic (1 of 4 stars; one submission).

Conditions:
Telangiectasia, hereditary hemorrhagic, type 1 (HHT1). Also called: Osler Weber Rendu syndrome type 1; ENG-Related Hereditary Hemorrhagic Telangiectasia. Identifiers: Orphanet 774, MedGen C4551861, MONDO:0008535, OMIM 187300. Disease mechanism: loss of function.

Submission:

Institute of Human Genetics, University of Goettingen
Classification: Likely pathogenic for Telangiectasia, hereditary hemorrhagic, type 1. Last evaluated: 2019-04-30. Review status: criteria provided, single submitter. Criteria: ACMG Guidelines, 2015. Collection method: clinical testing. Allele origin: germline. Inheritance: Autosomal dominant inheritance. Affected: yes. Observed: 1 heterozygote.
Comment: frameshift mutation in a gene without tolerance for loss of function mutations

NM_001114753.3(ENG):c.780_789dup (p.Asp264fs)

Gene: ENG (endoglin; minus strand). Cytogenetic location: 9q34.11.
Variant type: Duplication.
Coding change: c.780_789dup on transcript NM_001114753.3 (MANE Select); coding-DNA positions 780 to 789, 10 bases duplicated (CTGGCTCATC; older notation c.780_789dupCTGGCTCATC).
Protein change: p.Asp264fs; shifts the reading frame from aspartic acid 264.
Molecular consequence: frameshift variant.
Genome position (GRCh38, 1-based): chr9:127,825,258-127,825,267, GATGAGCCAG duplicated on the plus strand (CTGGCTCATC on the coding strand, the reverse complement: ENG is on the minus strand); duplicating any 10 consecutive bases within chr9:127,825,258-127,825,269 gives the same sequence; the c. name uses the placement nearest the transcript's 3' end. VCF-style (leftmost placement, unchanged base first): chr9-127825257-C-CGATGAGCCAG. GRCh37 (hg19) VCF-style: chr9-130587536-C-CGATGAGCCAG.
Other names: c.778_787dup, p.Asp264Leufs (NM_000118.4, NM_001406715.1); c.234_243dup, p.Asp82fs (NM_001278138.2); short protein forms D264fs, D82fs.
Identifiers: ClinVar variation 638166 (VCV000638166.5), dbSNP rs1588581846, ClinGen allele CA915947175.